The following is an entry in ClinVar:

ClinVar aggregate classification (germline): Uncertain significance. Review status: criteria provided, multiple submitters, no conflicts (2 of 4 stars). 4 submissions from 4 submitters: Uncertain significance (4). Last evaluated 2025-03-19.

Conditions:
PLEKHG5-related disorder. Also called: PLEKHG5-related condition.
Neuronopathy, distal hereditary motor, autosomal recessive 4. Also called: NEUROPATHY, DISTAL HEREDITARY MOTOR, AUTOSOMAL RECESSIVE 4; Autosomal recessive lower motor neuron disease with childhood onset. Identifiers: Orphanet 206580, MedGen C1970211, MONDO:0012608, OMIM 611067.
Charcot-Marie-Tooth disease recessive intermediate C. Also called: CHARCOT-MARIE-TOOTH NEUROPATHY, RECESSIVE INTERMEDIATE C. Identifiers: Orphanet 369867, MedGen C3809309, MONDO:0014154, OMIM 615376.

Allele frequency attached by ClinVar (database versions not stated): TOPMed 0.00006; gnomAD 0.00007 and 0.00012; 1000 Genomes Project 30x 0.00062; 1000 Genomes Project 0.00100.
gnomAD v4.1: 157 of 1,610,212 alleles (0.0098%); highest among the groups gnomAD compares: South Asian, 0.092%; no homozygotes.

Submissions (4):

GeneDx
Classification: Uncertain significance. Last evaluated: 2025-03-19. Review status: criteria provided, single submitter. Criteria: GeneDx Variant Classification Process June 2021. Collection method: clinical testing. Allele origin: germline. Affected: yes.
Comment: In silico analysis indicates that this missense variant does not alter protein structure/function; Has not been previously published as pathogenic or benign to our knowledge

PreventionGenetics, part of Exact Sciences
Classification: Uncertain significance for PLEKHG5-related condition. Last evaluated: 2025-01-05. Review status: criteria provided, single submitter. Criteria: ACMG Guidelines, 2015. Collection method: clinical testing. Allele origin: germline.
Comment: The PLEKHG5 c.541G>A variant is predicted to result in the amino acid substitution p.Ala181Thr. To our knowledge, this variant has not been reported in the literature. This variant is reported in 0.076% of alleles in individuals of South Asian descent in gnomAD. Although we suspect that this variant may be benign, at this time, the clinical significance of this variant is uncertain due to the absence of conclusive functional and genetic evidence.

Labcorp Genetics (formerly Invitae), Labcorp
Classification: Uncertain significance for Neuronopathy, distal hereditary motor, autosomal recessive 4; Charcot-Marie-Tooth disease recessive intermediate C. Last evaluated: 2022-09-07. Review status: criteria provided, single submitter. Criteria: Invitae Variant Classification Sherloc (09022015). Collection method: clinical testing. Allele origin: germline.
Comment: This sequence change replaces alanine, which is neutral and non-polar, with threonine, which is neutral and polar, at codon 181 of the PLEKHG5 protein (p.Ala181Thr). This variant is present in population databases (rs527341275, gnomAD 0.08%). This variant has not been reported in the literature in individuals affected with PLEKHG5-related conditions. ClinVar contains an entry for this variant (Variation ID: 245720). Algorithms developed to predict the effect of missense changes on protein structure and function output the following: SIFT: "Tolerated"; PolyPhen-2: "Benign"; Align-GVGD: "Class C0". The threonine amino acid residue is found in multiple mammalian species, which suggests that this missense change does not adversely affect protein function. In summary, the available evidence is currently insufficient to determine the role of this variant in disease. Therefore, it has been classified as a Variant of Uncertain Significance.

Eurofins Ntd Llc (ga)
Classification: Uncertain significance. Last evaluated: 2017-03-02. Review status: criteria provided, single submitter. Criteria: EGL Classification Definitions 2015. Collection method: clinical testing. Allele origin: germline. Observed: 1 variant allele, 1 heterozygote.

NM_020631.6(PLEKHG5):c.541G>A (p.Ala181Thr)

Gene: PLEKHG5 (pleckstrin homology and RhoGEF domain containing G5; minus strand). Cytogenetic location: 1p36.31.
Variant type: single nucleotide variant.
Coding change: c.541G>A on transcript NM_020631.6 (MANE Select); coding-DNA position 541, G replaced by A.
Protein change: p.Ala181Thr; replaces alanine 181 with threonine.
Molecular consequence: missense variant.
Genome position (GRCh38, 1-based): chr1:6,474,063, C>T on the plus strand (G>A on the coding strand, the complement: PLEKHG5 is on the minus strand). VCF-style: chr1-6474063-C-T. GRCh37 (hg19) VCF-style: chr1-6534123-C-T.
Other names: c.652G>A, p.Ala218Thr (NM_001042663.3, NM_001265592.2); c.541G>A, p.Ala181Thr (NM_001042664.2, NM_001042665.2, NM_001265594.3 and 1 more transcripts); c.748G>A, p.Ala250Thr (NM_001265593.2); short protein forms A181T, A250T, A218T.
Identifiers: ClinVar variation 245720 (VCV000245720.14), dbSNP rs527341275, ClinGen allele CA561814.